The following is an entry in ClinVar:

ClinVar aggregate classification (germline): Uncertain significance (1 of 4 stars; one submission).

Submission:

GeneDx
Classification: Uncertain significance. Last evaluated: 2025-07-10. Review status: criteria provided, single submitter. Criteria: GeneDx Variant Classification Process June 2021. Collection method: clinical testing. Allele origin: germline. Affected: yes.
Comment: Not observed at significant frequency in large population cohorts (gnomAD); In silico analysis supports that this missense variant has a deleterious effect on protein structure/function; Has not been previously published as pathogenic or benign to our knowledge

NM_001273.5(CHD4):c.1486C>T (p.Pro496Ser)

Gene: CHD4 (chromodomain helicase DNA binding protein 4; minus strand). Cytogenetic location: 12p13.31.
Variant type: single nucleotide variant.
Coding change: c.1486C>T on transcript NM_001273.5 (MANE Select); coding-DNA position 1486, C replaced by T.
Protein change: p.Pro496Ser; replaces proline 496 with serine.
Molecular consequence: missense variant.
Genome position (GRCh38, 1-based): chr12:6,598,422, G>A on the plus strand (C>T on the coding strand, the complement: CHD4 is on the minus strand). VCF-style: chr12-6598422-G-A. GRCh37 (hg19) VCF-style: chr12-6707588-G-A.
Other names: c.1465C>T, p.Pro489Ser (NM_001297553.2); c.1447C>T, p.Pro483Ser (NM_001363606.2); short protein forms P483S, P489S, P496S.
Identifiers: ClinVar variation 4685406 (VCV004685406.1).
Genomic context (GRCh38, chr12:6,598,422, plus strand): 5'-GAGATGGTGGCTGACCCCACTTCCAGATTAGGATCTTCTGCACTTTGCCCTTCAGAGCTG[G>A]ACACTGAGAGAAAAAGAGACAACTTAATCTCAAATCATAACCATGGGAGGAGAAGGGACA-3'
Protein context (NP_001264.2, residues 486-506): GEWLCPRCTC[Pro496Ser]ALKGKVQKIL